The following is an entry in ClinVar:

ClinVar aggregate classification (germline): Uncertain significance (1 of 4 stars; one submission).

Conditions:
Long QT syndrome (LQTS). Identifiers: MedGen C0023976, MeSH D008133, MONDO:0002442. Disease mechanism: loss of function. Inheritance: Various modes of inheritance.

Allele frequency attached by ClinVar (database versions not stated): gnomAD exomes below 0.00001.
gnomAD v4.1: 1 of 1,614,276 alleles (0.000062%); highest among the groups gnomAD compares: Non-Finnish European, 0.000085%; no homozygotes.

Submission:

Labcorp Genetics (formerly Invitae), Labcorp
Classification: Uncertain significance for Long QT syndrome. Last evaluated: 2021-02-16. Review status: criteria provided, single submitter. Criteria: Invitae Variant Classification Sherloc (09022015). Collection method: clinical testing. Allele origin: germline.
Comment: In summary, the available evidence is currently insufficient to determine the role of this variant in disease. Therefore, it has been classified as a Variant of Uncertain Significance. Algorithms developed to predict the effect of missense changes on protein structure and function are either unavailable or do not agree on the potential impact of this missense change (SIFT: "Deleterious"; PolyPhen-2: "Benign"; Align-GVGD: "Class C0"). This variant has not been reported in the literature in individuals with KCNJ5-related conditions. This variant is not present in population databases (ExAC no frequency). This sequence change replaces lysine with asparagine at codon 47 of the KCNJ5 protein (p.Lys47Asn). The lysine residue is moderately conserved and there is a moderate physicochemical difference between lysine and asparagine.

NM_000890.5(KCNJ5):c.141G>C (p.Lys47Asn)

Gene: KCNJ5 (potassium inwardly rectifying channel subfamily J member 5; plus strand). Cytogenetic location: 11q24.3.
Variant type: single nucleotide variant.
Coding change: c.141G>C on transcript NM_000890.5 (MANE Select); coding-DNA position 141, G replaced by C.
Protein change: p.Lys47Asn; replaces lysine 47 with asparagine.
Molecular consequence: missense variant.
Genome position (GRCh38, 1-based): chr11:128,911,414, G>C. VCF-style: chr11-128911414-G-C. GRCh37 (hg19) VCF-style: chr11-128781309-G-C.
Other names: c.141G>C, p.Lys47Asn (NM_001354169.2); short protein forms K47N.
Identifiers: ClinVar variation 1352208 (VCV001352208.8), dbSNP rs1298630101, ClinGen allele CA383246141.